The following is an entry in ClinVar:

NM_001267550.2(TTN):c.70824G>T (p.Val23608=)

Genes: TTN-AS1 (TTN antisense RNA 1; plus strand), TTN (titin; minus strand). Cytogenetic location: 2q31.2.
Variant type: single nucleotide variant.
Coding change: c.70824G>T on transcript NM_001267550.2 (MANE Select); coding-DNA position 70824, G replaced by T.
Protein change: p.Val23608=; no amino-acid change (valine 23608 retained).
Molecular consequence: synonymous variant.
Genome position (GRCh38, 1-based): chr2:178,575,308, C>A on the plus strand (G>T on the coding strand, the complement: TTN is on the minus strand). VCF-style: chr2-178575308-C-A. GRCh37 (hg19) VCF-style: chr2-179440035-C-A.
Other names: c.65901G>T, p.Val21967= (NM_001256850.1); c.43629G>T, p.Val14543= (NM_003319.4); c.63120G>T, p.Val21040= (NM_133378.4); c.44004G>T, p.Val14668= (NM_133432.3); c.44205G>T, p.Val14735= (NM_133437.4).
Identifiers: ClinVar variation 513822 (VCV000513822.6), dbSNP rs1248176732, ClinGen allele CA430257763.
Genomic context (GRCh38, chr2:178,575,308, plus strand): 5'-TGTCTGCTCCTTGACAATGACGGGTCTGCTTTCTCTAGGGGCACTTCTCCCCGCGCTGTT[C>A]ACTGCCATCACTTGGAAGGTATATTCCTCTCCTTCAGTTAGATTCCTCACAACACATTCT-3'
Protein context (NP_001254479.2, residues 23598-23618): GEEYTFQVMA[Val23608=]NSAGRSAPRE

ClinVar aggregate classification (germline): Likely benign. Review status: criteria provided, multiple submitters, no conflicts (2 of 4 stars). 3 submissions from 3 submitters: Likely benign (3). Last evaluated 2025-11-10.

Conditions:
Autosomal recessive limb-girdle muscular dystrophy type 2J (LGMDR10). Also called: MUSCULAR DYSTROPHY, LIMB-GIRDLE, AUTOSOMAL RECESSIVE 10; Limb-girdle muscular dystrophy, type 2J. Identifiers: Orphanet 140922, MedGen C1837342, MONDO:0012127, OMIM 608807.
Dilated cardiomyopathy 1G (CMD1G). Identifiers: Orphanet 154, MedGen C1858763, MONDO:0011400, OMIM 604145.
Cardiovascular phenotype. Identifiers: MedGen CN230736.

Allele frequency attached by ClinVar (database versions not stated): gnomAD exomes below 0.00001.
gnomAD v4.1: 2 of 1,613,506 alleles (0.00012%); highest among the groups gnomAD compares: Middle Eastern, 0.033%; no homozygotes.

Submissions (3):

Labcorp Genetics (formerly Invitae), Labcorp
Classification: Likely benign for Dilated cardiomyopathy 1G; Autosomal recessive limb-girdle muscular dystrophy type 2J. Last evaluated: 2025-11-10. Review status: criteria provided, single submitter. Criteria: Invitae Variant Classification Sherloc (09022015). Collection method: clinical testing. Allele origin: germline.

Ambry Genetics
Classification: Likely benign for Cardiovascular phenotype. Last evaluated: 2021-02-08. Review status: criteria provided, single submitter. Criteria: Ambry Variant Classification Scheme 2023. Collection method: clinical testing. Allele origin: germline.

GeneDx
Classification: Likely benign. Last evaluated: 2017-11-27. Review status: criteria provided, single submitter. Criteria: GeneDx Variant Classification (06012015). Collection method: clinical testing. Allele origin: germline. Affected: yes.
Comment: This variant is considered likely benign or benign based on one or more of the following criteria: it is a conservative change, it occurs at a poorly conserved position in the protein, it is predicted to be benign by multiple in silico algorithms, and/or has population frequency not consistent with disease.